The following is an entry in ClinVar:

ClinVar aggregate classification (germline): Benign (1 of 4 stars; one submission).

Conditions:
Familial colorectal cancer type X. Identifiers: Orphanet 440437, MedGen C3896578, MONDO:0018604.

gnomAD v4.1: 1 of 1,551,282 alleles (0.000064%); highest among the groups gnomAD compares: African/African-American, 0.0014%; no homozygotes.

Submission:

Myriad Genetics, Inc.
Classification: Benign for Familial colorectal cancer type X. Last evaluated: 2026-08-05. Review status: criteria provided, single submitter. Criteria: Myriad Autosomal Dominant, Autosomal Recessive and X-Linked Classification Criteria (2023). Collection method: clinical testing. Allele origin: unknown.
Comment: This variant is considered benign. This variant occurs in the non-coding 3' untranslated region of the gene, and is not expected to impact protein function.

NM_001146227.3(RPS20):c.*8C>T

Gene: RPS20 (ribosomal protein S20; minus strand). Cytogenetic location: 8q12.1.
Variant type: single nucleotide variant.
Coding change: c.*8C>T on transcript NM_001146227.3; 8 bases downstream of the stop codon, C replaced by T.
Molecular consequence: 3 prime UTR variant.
Genome position (GRCh38, 1-based): chr8:56,069,730, G>A on the plus strand (C>T on the coding strand, the complement: RPS20 is on the minus strand). VCF-style: chr8-56069730-G-A. GRCh37 (hg19) VCF-style: chr8-56982289-G-A.
Identifiers: ClinVar variation 5042345 (VCV005042345.1).